The following is an entry in ClinVar:

ClinVar aggregate classification (germline): Conflicting classifications of pathogenicity. Review status: criteria provided, conflicting classifications (1 of 4 stars). 5 submissions from 5 submitters: Uncertain significance (2); Benign (1); Likely benign (1). 1 of the submissions does not count toward it. Last evaluated 2022-04-01.

Conditions:
Inborn genetic diseases. Identifiers: MedGen C0950123, MeSH D030342.
Dihydropyrimidine dehydrogenase deficiency (DPYDD). Also called: DPD DEFICIENCY; DPYD DEFICIENCY; Hereditary Thymine-Uraciluria. Identifiers: Orphanet 1675, MedGen C1959620, MONDO:0010130, OMIM 274270.

Allele frequency attached by ClinVar (database versions not stated): gnomAD 0.00021; TOPMed 0.00025; ESP Exome Variant Server 0.00031.
gnomAD v4.1: 428 of 1,613,610 alleles (0.027%); highest among the groups gnomAD compares: South Asian, 0.019%; 2 homozygotes.

Submissions (5):

CeGaT Center for Human Genetics Tuebingen
Classification: Likely benign. Last evaluated: 2022-04-01. Review status: criteria provided, single submitter. Criteria: CeGaT Center For Human Genetics Tuebingen Variant Classification Criteria Version 2. Collection method: clinical testing. Allele origin: germline. Affected: yes. Observed: 1 variant allele.
Comment: DPYD: BP4, BP7

Ambry Genetics
Classification: Uncertain significance for Inborn genetic diseases. Last evaluated: 2021-02-19. Review status: criteria provided, single submitter. Criteria: Ambry Variant Classification Scheme 2023. Collection method: clinical testing. Allele origin: germline.
Comment: Occurs in the last base pair of the exon Based on insufficient or conflicting evidence, the clinical significance of this alteration remains unclear.

Labcorp Genetics (formerly Invitae), Labcorp
Classification: Benign. Last evaluated: 2018-08-06. Review status: criteria provided, single submitter. Criteria: Invitae Variant Classification Sherloc (09022015). Collection method: clinical testing. Allele origin: germline.

Illumina Laboratory Services, Illumina
Classification: Uncertain significance for Dihydropyrimidine dehydrogenase deficiency. Last evaluated: 2017-04-27. Review status: criteria provided, single submitter. Criteria: ICSL Variant Classification Criteria 13 December 2019. Collection method: clinical testing. Allele origin: germline.

Diasio Lab,  Mayo Clinic
No classification provided. Review status: no classification provided. Collection method: not provided. Allele origin: unknown. Not counted in ClinVar's aggregate classification.

NM_000110.4(DPYD):c.1905C>T (p.Asn635=)

Gene: DPYD (dihydropyrimidine dehydrogenase; minus strand). Cytogenetic location: 1p21.3.
Variant type: single nucleotide variant.
Coding change: c.1905C>T on transcript NM_000110.4 (MANE Select); coding-DNA position 1905, C replaced by T.
Protein change: p.Asn635=; no amino-acid change (asparagine 635 retained).
Molecular consequence: synonymous variant.
Genome position (GRCh38, 1-based): chr1:97,450,059, G>A on the plus strand (C>T on the coding strand, the complement: DPYD is on the minus strand). VCF-style: chr1-97450059-G-A. GRCh37 (hg19) VCF-style: chr1-97915615-G-A.
Identifiers: ClinVar variation 100087 (VCV000100087.36), dbSNP rs3918289, ClinGen allele CA228109.